The following is an entry in ClinVar:

ClinVar aggregate classification (germline): Likely pathogenic (1 of 4 stars; one submission).

Conditions:
NEK1-related disorder. Also called: NEK1-related condition.

Submission:

PreventionGenetics, part of Exact Sciences
Classification: Likely pathogenic for NEK1-related condition. Last evaluated: 2025-07-28. Review status: criteria provided, single submitter. Criteria: ACMG Guidelines, 2015. Collection method: clinical testing. Allele origin: germline.
Comment: The NEK1 c.1519_1520delTT variant is predicted to result in a frameshift and premature protein termination (p.Leu507Glufs*8). To our knowledge, this variant has not been reported in the literature or in a large population database, indicating this variant is rare. Frameshift variants in NEK1 are expected to be pathogenic. This variant is interpreted as likely pathogenic.

NM_001199397.3(NEK1):c.1519_1520del (p.Leu507fs)

Gene: NEK1 (NIMA related kinase 1; minus strand). Cytogenetic location: 4q33.
Variant type: Deletion.
Coding change: c.1519_1520del on transcript NM_001199397.3 (MANE Select); coding-DNA positions 1519 to 1520, 2 bases deleted (TT; older notation c.1519_1520delTT).
Protein change: p.Leu507fs; shifts the reading frame from leucine 507.
Molecular consequence: frameshift variant. On other transcripts: non-coding transcript variant (1), intron variant (3).
Genome position (GRCh38, 1-based): chr4:169,555,762-169,555,763, AA deleted on the plus strand (TT on the coding strand, the reverse complement: NEK1 is on the minus strand); deleting any 2 consecutive bases within chr4:169,555,762-169,555,764 gives the same sequence; the c. name uses the placement nearest the transcript's 3' end. VCF-style (leftmost placement, unchanged base first): chr4-169555761-CAA-C. GRCh37 (hg19) VCF-style: chr4-170476912-CAA-C.
Other names: c.1519_1520del, p.Leu507fs (NM_001374418.1, NM_001374419.1, NM_012224.4); c.1468_1469del, p.Leu490fs (NM_001374420.1); c.1393_1394del, p.Leu465fs (NM_001374421.1); c.1355+169_1355+170del (NM_001199399.3); c.1430+169_1430+170del (NM_001199398.3, NM_001199400.3); short protein forms L465fs, L490fs, L507fs.
Identifiers: ClinVar variation 3346149 (VCV003346149.2).